The following is an entry in ClinVar:

NM_001347721.2(DYRK1A):c.940C>T (p.Gln314Ter)

Gene: DYRK1A (dual specificity tyrosine phosphorylation regulated kinase 1A; plus strand). Cytogenetic location: 21q22.13.
Variant type: single nucleotide variant.
Coding change: c.940C>T on transcript NM_001347721.2 (MANE Select); coding-DNA position 940, C replaced by T.
Protein change: p.Gln314Ter; replaces glutamine 314 with a stop codon.
Molecular consequence: nonsense.
Genome position (GRCh38, 1-based): chr21:37,493,032, C>T. VCF-style: chr21-37493032-C-T. GRCh37 (hg19) VCF-style: chr21-38865334-C-T.
Other names: c.940C>T, p.Gln314Ter (NM_001347722.2, NM_130436.2); c.853C>T, p.Gln285Ter (NM_001347723.2); c.967C>T, p.Gln323Ter (NM_001396.5, NM_101395.2, NM_130438.2); short protein forms Q323*, Q285*, Q314*.
Identifiers: ClinVar variation 450203 (VCV000450203.6), dbSNP rs1555985532, ClinGen allele CA409936396.

ClinVar aggregate classification (germline): Pathogenic. Review status: criteria provided, multiple submitters, no conflicts (2 of 4 stars). 3 submissions from 3 submitters: Pathogenic (3). Last evaluated 2023-12-05.

Conditions:
DYRK1A-related disorder.
DYRK1A-related intellectual disability syndrome (MRD7). Also called: DYRK1A Syndrome; Intellectual developmental disorder, autosomal dominant 7. Identifiers: Orphanet 464306, MedGen C5568143, MONDO:0013578, OMIM 614104.

Submissions (3):

Blueprint Genetics
Classification: Pathogenic for DYRK1A-related disorders. Last evaluated: 2023-12-05. Review status: criteria provided, single submitter. Criteria: ACMG Guidelines, 2015. Collection method: clinical testing. Allele origin: de novo. Affected: yes. Observed: 1 variant allele.

Labcorp Genetics (formerly Invitae), Labcorp
Classification: Pathogenic for DYRK1A-related intellectual disability syndrome. Last evaluated: 2023-05-17. Review status: criteria provided, single submitter. Criteria: Invitae Variant Classification Sherloc (09022015). Collection method: clinical testing. Allele origin: germline.
Comment: This sequence change creates a premature translational stop signal (p.Gln323*) in the DYRK1A gene. It is expected to result in an absent or disrupted protein product. Loss-of-function variants in DYRK1A are known to be pathogenic (PMID: 25944381). This variant is not present in population databases (gnomAD no frequency). This variant has not been reported in the literature in individuals affected with DYRK1A-related conditions. ClinVar contains an entry for this variant (Variation ID: 450203). For these reasons, this variant has been classified as Pathogenic.

GeneDx
Classification: Pathogenic. Last evaluated: 2017-07-05. Review status: criteria provided, single submitter. Criteria: GeneDx Variant Classification (06012015). Collection method: clinical testing. Allele origin: germline. Affected: yes.
Comment: The Q323X variant in the DYRK1A gene has not been reported previously as a pathogenic variant nor as a benign variant, to our knowledge. This variant is predicted to cause loss of normal protein function either through protein truncation or nonsense-mediated mRNA decay. The Q323X variant is not observed in large population cohorts (Lek et al., 2016; 1000 Genomes Consortium et al., 2015; Exome Variant Server). We interpret Q323X as a pathogenic variant.

Literature cited by the submitters: PubMed 25944381 (cited by Labcorp Genetics (formerly Invitae), Labcorp).